The following is an entry in ClinVar:

ClinVar aggregate classification (germline): Likely benign (0 of 4 stars; one submission).

Conditions:
MKKS-related disorder. Also called: MKKS-related condition; MKKS-related disorders.

gnomAD v4.1: 27 of 1,603,922 alleles (0.0017%); highest among the groups gnomAD compares: Non-Finnish European, 0.0023%; no homozygotes.

Submission:

PreventionGenetics, part of Exact Sciences
Classification: Likely benign for MKKS-related condition. Last evaluated: 2021-12-15. Review status: no assertion criteria provided. Collection method: clinical testing. Allele origin: germline.
Comment: This variant is classified as likely benign based on ACMG/AMP sequence variant interpretation guidelines (Richards et al. 2015 PMID: 25741868, with internal and published modifications).

NM_170784.3(MKKS):c.*4A>G

Gene: MKKS (MKKS centrosomal shuttling protein; minus strand). Cytogenetic location: 20p12.2.
Variant type: single nucleotide variant.
Coding change: c.*4A>G on transcript NM_170784.3 (MANE Select); 4 bases downstream of the stop codon, A replaced by G.
Molecular consequence: 3 prime UTR variant. On other transcripts: non-coding transcript variant (1).
Genome position (GRCh38, 1-based): chr20:10,405,243, T>C on the plus strand (A>G on the coding strand, the complement: MKKS is on the minus strand). VCF-style: chr20-10405243-T-C. GRCh37 (hg19) VCF-style: chr20-10385891-T-C.
Other names: c.*4A>G (NM_018848.3).
Identifiers: ClinVar variation 3351705 (VCV003351705.1).
Genomic context (GRCh38, chr20:10,405,243, plus strand): 5'-ATTTTTCTCAATTGCCAACAGACTAGTTTATTTGTTTCTCTTGTAATACGAACATGCTAT[T>C]CTCTTAGTTTTTATCTTCAATAACATATGAAAGATCCAAAATCAAATTGGCTGTCTCTAC-3'